The following is an entry in ClinVar:

ClinVar aggregate classification (germline): Uncertain significance (1 of 4 stars; one submission).

Conditions:
Nemaline myopathy 2 (NEM2). Also called: Nemaline myopathy 2, autosomal recessive. Identifiers: MedGen C1850569, MONDO:0009725, OMIM 256030.

Allele frequency attached by ClinVar (database versions not stated): gnomAD exomes below 0.00001; TOPMed below 0.00001.
gnomAD v4.1: 1 of 1,614,014 alleles (0.000062%); highest among the groups gnomAD compares: Non-Finnish European, 0.000085%; no homozygotes.

Submission:

Labcorp Genetics (formerly Invitae), Labcorp
Classification: Uncertain significance for Nemaline myopathy 2. Last evaluated: 2021-06-04. Review status: criteria provided, single submitter. Criteria: Invitae Variant Classification Sherloc (09022015). Collection method: clinical testing. Allele origin: germline.
Comment: This sequence change replaces tyrosine with cysteine at codon 1405 of the NEB protein (p.Tyr1405Cys). The tyrosine residue is moderately conserved and there is a large physicochemical difference between tyrosine and cysteine. This variant is not present in population databases (ExAC no frequency). This variant has not been reported in the literature in individuals with NEB-related conditions. Algorithms developed to predict the effect of missense changes on protein structure and function are either unavailable or do not agree on the potential impact of this missense change (SIFT: "Deleterious"; PolyPhen-2: "Not Available"; Align-GVGD: "Class C0"). In summary, the available evidence is currently insufficient to determine the role of this variant in disease. Therefore, it has been classified as a Variant of Uncertain Significance.

NM_001164508.2(NEB):c.4214A>G (p.Tyr1405Cys)

Gene: NEB (nebulin; minus strand). Cytogenetic location: 2q23.3.
Variant type: single nucleotide variant.
Coding change: c.4214A>G on transcript NM_001164508.2 (MANE Select); coding-DNA position 4214, A replaced by G.
Protein change: p.Tyr1405Cys; replaces tyrosine 1405 with cysteine.
Molecular consequence: missense variant.
Genome position (GRCh38, 1-based): chr2:151,672,454, T>C on the plus strand (A>G on the coding strand, the complement: NEB is on the minus strand). VCF-style: chr2-151672454-T-C. GRCh37 (hg19) VCF-style: chr2-152528968-T-C.
Other names: c.4214A>G, p.Tyr1405Cys (NM_001164507.2, NM_001271208.2, NM_004543.5); short protein forms Y1405C.
Identifiers: ClinVar variation 1953405 (VCV001953405.2), dbSNP rs2099312710, ClinGen allele CA348816551.